The following is an entry in ClinVar:

ClinVar aggregate classification (germline): Uncertain significance. Review status: criteria provided, multiple submitters, no conflicts (2 of 4 stars). 2 submissions from 2 submitters: Uncertain significance (2). Last evaluated 2025-11-03.

Conditions:
Primary ciliary dyskinesia. Also called: Ciliary dyskinesia. Identifiers: Orphanet 244, MedGen C0008780, MONDO:0016575, HP:0012265.

Allele frequency attached by ClinVar (database versions not stated): TOPMed below 0.00001; gnomAD exomes 0.00001; ExAC 0.00002.
gnomAD v4.1: 9 of 1,613,472 alleles (0.00056%); highest among the groups gnomAD compares: East Asian, 0.0022%; no homozygotes.

Submissions (2):

Ambry Genetics
Classification: Uncertain significance. Last evaluated: 2025-11-03. Review status: criteria provided, single submitter. Criteria: Ambry Variant Classification Scheme 2023. Collection method: clinical testing. Allele origin: germline.

Labcorp Genetics (formerly Invitae), Labcorp
Classification: Uncertain significance for Primary ciliary dyskinesia. Last evaluated: 2022-09-07. Review status: criteria provided, single submitter. Criteria: Invitae Variant Classification Sherloc (09022015). Collection method: clinical testing. Allele origin: germline.
Comment: This sequence change replaces arginine, which is basic and polar, with glutamine, which is neutral and polar, at codon 1751 of the DNAH8 protein (p.Arg1751Gln). This variant is present in population databases (rs756837520, gnomAD 0.006%). This variant has not been reported in the literature in individuals affected with DNAH8-related conditions. Algorithms developed to predict the effect of missense changes on protein structure and function are either unavailable or do not agree on the potential impact of this missense change (SIFT: "Deleterious"; PolyPhen-2: "Not Available"; Align-GVGD: "Class C0"). In summary, the available evidence is currently insufficient to determine the role of this variant in disease. Therefore, it has been classified as a Variant of Uncertain Significance.

NM_001206927.2(DNAH8):c.5252G>A (p.Arg1751Gln)

Gene: DNAH8 (dynein axonemal heavy chain 8; plus strand). Cytogenetic location: 6p21.2.
Variant type: single nucleotide variant.
Coding change: c.5252G>A on transcript NM_001206927.2 (MANE Select); coding-DNA position 5252, G replaced by A.
Protein change: p.Arg1751Gln; replaces arginine 1751 with glutamine.
Molecular consequence: missense variant.
Genome position (GRCh38, 1-based): chr6:38,850,303, G>A. VCF-style: chr6-38850303-G-A. GRCh37 (hg19) VCF-style: chr6-38818079-G-A.
Other names: c.4601G>A, p.Arg1534Gln (NM_001371.4); c.5252G>A (NM_001206927.1); short protein forms R1534Q, R1751Q.
Identifiers: ClinVar variation 2145668 (VCV002145668.4), dbSNP rs756837520, ClinGen allele CA3789332.